The following is an entry in ClinVar:

ClinVar aggregate classification (germline): Uncertain significance. Review status: criteria provided, multiple submitters, no conflicts (2 of 4 stars). 2 submissions from 2 submitters: Uncertain significance (2). Last evaluated 2024-05-04.

Conditions:
Cataract-growth hormone deficiency-sensory neuropathy-sensorineural hearing loss-skeletal dysplasia syndrome. Also called: Cataracts, growth hormone deficiency, sensory neuropathy, sensorineural hearing loss, and skeletal dysplasia. Identifiers: Orphanet 436174, MedGen C4014942, MONDO:0014455, OMIM 616007.

gnomAD v4.1: 179 of 1,598,608 alleles (0.011%); highest among the groups gnomAD compares: South Asian, 0.19%; 1 homozygote.

Submissions (2):

Labcorp Genetics (formerly Invitae), Labcorp
Classification: Uncertain significance. Last evaluated: 2024-05-04. Review status: criteria provided, single submitter. Criteria: Invitae Variant Classification Sherloc (09022015). Collection method: clinical testing. Allele origin: germline.
Comment: This sequence change replaces alanine, which is neutral and non-polar, with threonine, which is neutral and polar, at codon 12 of the IARS2 protein (p.Ala12Thr). This variant is present in population databases (rs769429082, gnomAD 0.2%). This variant has not been reported in the literature in individuals affected with IARS2-related conditions. An algorithm developed to predict the effect of missense changes on protein structure and function (PolyPhen-2) suggests that this variant¬†is likely to be tolerated. In summary, the available evidence is currently insufficient to determine the role of this variant in disease. Therefore, it has been classified as a Variant of Uncertain Significance.

Fulgent Genetics
Classification: Uncertain significance for Cataract-growth hormone deficiency-sensory neuropathy-sensorineural hearing loss-skeletal dysplasia syndrome. Last evaluated: 2024-04-02. Review status: criteria provided, single submitter. Criteria: ACMG Guidelines, 2015. Collection method: clinical testing. Allele origin: germline.

NM_018060.4(IARS2):c.34G>A (p.Ala12Thr)

Genes: IARS2 (isoleucyl-tRNA synthetase 2, mitochondrial; plus strand), LOC129932529 (ATAC-STARR-seq lymphoblastoid silent region 1823; plus strand). Cytogenetic location: 1q41.
Variant type: single nucleotide variant.
Coding change: c.34G>A on transcript NM_018060.4 (MANE Select); coding-DNA position 34, G replaced by A.
Protein change: p.Ala12Thr; replaces alanine 12 with threonine.
Molecular consequence: missense variant.
Genome position (GRCh38, 1-based): chr1:220,094,250, G>A. VCF-style: chr1-220094250-G-A. GRCh37 (hg19) VCF-style: chr1-220267592-G-A.
Other names: short protein forms A12T.
Identifiers: ClinVar variation 3580457 (VCV003580457.2).